The following is an entry in ClinVar:

NM_012123.4(MTO1):c.1933C>A (p.Arg645Ser)

Gene: MTO1 (mitochondrial tRNA translation optimization 1; plus strand). Cytogenetic location: 6q13.
Variant type: single nucleotide variant.
Coding change: c.1933C>A on transcript NM_012123.4 (MANE Select); coding-DNA position 1933, C replaced by A.
Protein change: p.Arg645Ser; replaces arginine 645 with serine.
Molecular consequence: missense variant.
Genome position (GRCh38, 1-based): chr6:73,500,589, C>A. VCF-style: chr6-73500589-C-A. GRCh37 (hg19) VCF-style: chr6-74210312-C-A.
Other names: c.2008C>A, p.Arg670Ser (NM_133645.3); c.2053C>A, p.Arg685Ser (NM_001123226.2); short protein forms R670S, R685S, R645S.
Identifiers: ClinVar variation 402215 (VCV000402215.11), dbSNP rs746382157, ClinGen allele CA3889795.

ClinVar aggregate classification (germline): Conflicting classifications of pathogenicity. Review status: criteria provided, conflicting classifications (1 of 4 stars). 4 submissions from 4 submitters: Likely pathogenic (1); Uncertain significance (3). Last evaluated 2024-06-13.

Conditions:
Mitochondrial hypertrophic cardiomyopathy with lactic acidosis due to MTO1 deficiency. Also called: Combined oxidative phosphorylation deficiency 10; CARDIOMYOPATHY, INFANTILE HYPERTROPHIC MITOCHONDRIAL, AND LACTIC ACIDOSIS. Identifiers: Orphanet 314637, MedGen C4749921, MONDO:0013865, OMIM 614702.
Abnormal brain morphology. Also called: Abnormality of brain morphology. Identifiers: MedGen C4021085, HP:0012443.

Allele frequency attached by ClinVar (database versions not stated): TOPMed below 0.00001; gnomAD 0.00001; gnomAD exomes 0.00004; ExAC 0.00005.
gnomAD v4.1: 49 of 1,612,552 alleles (0.003%); highest among the groups gnomAD compares: South Asian, 0.04%; 1 homozygote.

Submissions (4):

Labcorp Genetics (formerly Invitae), Labcorp
Classification: Uncertain significance for Mitochondrial hypertrophic cardiomyopathy with lactic acidosis due to MTO1 deficiency. Last evaluated: 2024-06-13. Review status: criteria provided, single submitter. Criteria: Invitae Variant Classification Sherloc (09022015). Collection method: clinical testing. Allele origin: germline.
Comment: This sequence change replaces arginine, which is basic and polar, with serine, which is neutral and polar, at codon 645 of the MTO1 protein (p.Arg645Ser). This variant is present in population databases (rs746382157, gnomAD 0.02%). This missense change has been observed in individual(s) with congenital brain abnormalities (PMID: 26539891). This variant is also known as c.C2053A (p.R685S). ClinVar contains an entry for this variant (Variation ID: 402215). Advanced modeling of protein sequence and biophysical properties (such as structural, functional, and spatial information, amino acid conservation, physicochemical variation, residue mobility, and thermodynamic stability) has been performed at Invitae for this missense variant, however the output from this modeling did not meet the statistical confidence thresholds required to predict the impact of this variant on MTO1 protein function. In summary, the available evidence is currently insufficient to determine the role of this variant in disease. Therefore, it has been classified as a Variant of Uncertain Significance.

Blueprint Genetics
Classification: Uncertain significance. Last evaluated: 2024-02-27. Review status: criteria provided, single submitter. Criteria: ACMG Guidelines, 2015. Collection method: clinical testing. Allele origin: germline.

GeneDx
Classification: Uncertain significance. Last evaluated: 2020-08-19. Review status: criteria provided, single submitter. Criteria: GeneDx Variant Classification Process June 2021. Collection method: clinical testing. Allele origin: germline. Affected: yes.
Comment: This variant is associated with the following publications: (PMID: 31589614, 26539891)

Lupski Lab, Baylor-Hopkins CMG, Baylor College of Medicine
Classification: Likely pathogenic for Abnormal brain morphology. Review status: criteria provided, single submitter. Criteria: Karaca et al. (Neuron 2015). Collection method: research. Allele origin: inherited. Inheritance: Autosomal recessive inheritance. Affected: yes.

Literature cited by the submitters: PubMed 26539891 (cited by Labcorp Genetics (formerly Invitae), Labcorp).